The following is an entry in ClinVar:

ClinVar aggregate classification (germline): Uncertain significance (1 of 4 stars; one submission).

Conditions:
Martsolf syndrome 2. Identifiers: MedGen C5543626, MONDO:0030376, OMIM 619420.

Submission:

3billion
Classification: Uncertain significance for Martsolf syndrome 2. Last evaluated: 2022-09-01. Review status: criteria provided, single submitter. Criteria: ACMG Guidelines, 2015. Collection method: clinical testing. Allele origin: germline. Affected: yes. Observed: 1 homozygote.
Comment: The variant is not observed in the gnomAD v2.1.1 dataset. In silico tool predictions suggest damaging effect of the variant on gene or gene product (REVEL: 0.94; 3Cnet: 0.82). However, protein truncation variants are a common disease-causing mechanism for the RAB3GAP1 gene. The variant is classified as uncertain significance according to the recommendation of ACMG/AMP guideline.

NM_012233.3(RAB3GAP1):c.536G>C (p.Gly179Ala)

Gene: RAB3GAP1 (RAB3 GTPase activating protein catalytic subunit 1; plus strand). Cytogenetic location: 2q21.3.
Variant type: single nucleotide variant.
Coding change: c.536G>C on transcript NM_012233.3 (MANE Select); coding-DNA position 536, G replaced by C.
Protein change: p.Gly179Ala; replaces glycine 179 with alanine.
Molecular consequence: missense variant.
Genome position (GRCh38, 1-based): chr2:135,115,269, G>C. VCF-style: chr2-135115269-G-C. GRCh37 (hg19) VCF-style: chr2-135872839-G-C.
Other names: c.536G>C, p.Gly179Ala (NM_001172435.2); short protein forms G179A.
Identifiers: ClinVar variation 1705651 (VCV001705651.1), dbSNP rs1211790888, ClinGen allele CA348567124.
Genomic context (GRCh38, chr2:135,115,269, plus strand): 5'-CTTGCAGTCAGGTGCCACTCTTTGTGCAAATTCACCACAAATGGCGAAGAATGTATGTAG[G>C]AGAATGTCAAGGTCCTGGTGTACGAACTGATTTCGAAATGGTTCATCTTAGAAAAGTGCC-3'
Protein context (NP_036365.1, residues 169-189): IHHKWRRMYV[Gly179Ala]ECQGPGVRTD